The following is an entry in ClinVar:

ClinVar aggregate classification (germline): Pathogenic/Likely pathogenic. Review status: criteria provided, multiple submitters, no conflicts (2 of 4 stars). 3 submissions from 3 submitters: Pathogenic (2); Likely pathogenic (1). Last evaluated 2025-06-06.

Conditions:
Bardet-Biedl syndrome (BBS). Identifiers: Orphanet 110, MedGen C0752166, MONDO:0015229.
Bardet-Biedl syndrome 10 (BBS10). Identifiers: Orphanet 110, MedGen C1859568, MONDO:0014438, OMIM 615987.

Submissions (3):

Myriad Genetics, Inc.
Classification: Pathogenic for Bardet-Biedl syndrome 10. Last evaluated: 2025-06-06. Review status: criteria provided, single submitter. Criteria: Myriad Autosomal Dominant, Autosomal Recessive and X-Linked Classification Criteria (2023). Collection method: clinical testing. Allele origin: unknown.
Comment: NM_024685.3(BBS10):c.1654G>T(G552*) is a nonsense variant classified as pathogenic in the context of Bardet-Biedl syndrome, BBS10-related. G552* has not been observed in cases with relevant disease. Relevant functional assessments of this variant are not available in the literature. G552* has not been observed in referenced population frequency databases. In summary, NM_024685.3(BBS10):c.1654G>T(G552*) is a nonsense variant in a gene where loss of function is a known mechanism of disease and is predicted to disrupt protein function. Please note: this variant was assessed in the context of healthy population screening.

Fulgent Genetics
Classification: Likely pathogenic for Bardet-Biedl syndrome 10. Last evaluated: 2024-05-15. Review status: criteria provided, single submitter. Criteria: ACMG Guidelines, 2015. Collection method: clinical testing. Allele origin: germline.

Labcorp Genetics (formerly Invitae), Labcorp
Classification: Pathogenic for Bardet-Biedl syndrome. Last evaluated: 2020-09-17. Review status: criteria provided, single submitter. Criteria: Invitae Variant Classification Sherloc (09022015). Collection method: clinical testing. Allele origin: germline.
Comment: This variant has not been reported in the literature in individuals with BBS10-related conditions. This variant is not present in population databases (ExAC no frequency). This sequence change results in a premature translational stop signal in the BBS10 gene (p.Gly552*). While this is not anticipated to result in nonsense mediated decay, it is expected to disrupt the last 172 amino acids of the BBS10 protein. For these reasons, this variant has been classified as Pathogenic. This variant disrupts the C-terminus of the BBS10 protein. Other variant(s) that disrupt this region (p.Val707*) have been determined to be pathogenic (PMID: 25982971, 22773737, 27486776, 20472660). This suggests that variants that disrupt this region of the protein are likely to be causative of disease. Algorithms developed to predict the effect of sequence changes on RNA splicing suggest that this variant may create or strengthen a splice site, but this prediction has not been confirmed by published transcriptional studies.

Literature cited by the submitters: PubMed 25982971 (cited by Labcorp Genetics (formerly Invitae), Labcorp); PubMed 22773737 (cited by Labcorp Genetics (formerly Invitae), Labcorp); PubMed 27486776 (cited by Labcorp Genetics (formerly Invitae), Labcorp); PubMed 20472660 (cited by Labcorp Genetics (formerly Invitae), Labcorp).

NM_024685.4(BBS10):c.1654G>T (p.Gly552Ter)

Gene: BBS10 (Bardet-Biedl syndrome 10; minus strand). Cytogenetic location: 12q21.2.
Variant type: single nucleotide variant.
Coding change: c.1654G>T on transcript NM_024685.4 (MANE Select); coding-DNA position 1654, G replaced by T.
Protein change: p.Gly552Ter; replaces glycine 552 with a stop codon.
Molecular consequence: nonsense.
Genome position (GRCh38, 1-based): chr12:76,346,331, C>A on the plus strand (G>T on the coding strand, the complement: BBS10 is on the minus strand). VCF-style: chr12-76346331-C-A. GRCh37 (hg19) VCF-style: chr12-76740111-C-A.
Other names: short protein forms G552*.
Identifiers: ClinVar variation 1073736 (VCV001073736.11), dbSNP rs2136090024, ClinGen allele CA385810651.